The following is an entry in ClinVar:

ClinVar aggregate classification (germline): Benign/Likely benign. Review status: criteria provided, multiple submitters, no conflicts (2 of 4 stars). 4 submissions from 4 submitters: Benign (1); Likely benign (3). Last evaluated 2026-01-28.

Conditions:
Birt-Hogg-Dube syndrome 1 (BHD1). Also called: FIBROFOLLICULOMAS WITH TRICHODISCOMAS AND ACROCHORDONS. Identifiers: Orphanet 122, MedGen CN375946, MONDO:0800445, OMIM 135150.
Hereditary cancer-predisposing syndrome. Also called: Neoplastic Syndromes, Hereditary; Hereditary Cancer Syndrome; Tumor predisposition; Hereditary neoplastic syndrome. Identifiers: Orphanet 140162, MedGen C0027672, MeSH D009386, MONDO:0015356.
Birt-Hogg-Dube syndrome. Also called: Birt Hogg Dubé syndrome. Identifiers: Orphanet 122, MedGen C0346010, MONDO:0800444.

Allele frequency attached by ClinVar (database versions not stated): gnomAD 0.00001 and 0.00003; ExAC 0.00002; gnomAD exomes 0.00003; TOPMed 0.00003.
gnomAD v4.1: 49 of 1,614,002 alleles (0.003%); highest among the groups gnomAD compares: South Asian, 0.0044%; no homozygotes.

Submissions (4):

Labcorp Genetics (formerly Invitae), Labcorp
Classification: Likely benign for Birt-Hogg-Dube syndrome. Last evaluated: 2026-01-28. Review status: criteria provided, single submitter. Criteria: Invitae Variant Classification Sherloc (09022015). Collection method: clinical testing. Allele origin: germline.

CeGaT Center for Human Genetics Tuebingen
Classification: Likely benign. Last evaluated: 2025-06-01. Review status: criteria provided, single submitter. Criteria: CeGaT Center For Human Genetics Tuebingen Variant Classification Criteria Version 2. Collection method: clinical testing. Allele origin: germline. Affected: yes. Observed: 1 variant allele.
Comment: FLCN: BP4, BP7

Myriad Genetics, Inc.
Classification: Benign for Birt-Hogg-Dube syndrome 1. Last evaluated: 2024-10-22. Review status: criteria provided, single submitter. Criteria: Myriad Autosomal Dominant, Autosomal Recessive and X-Linked Classification Criteria (2023). Collection method: clinical testing. Allele origin: unknown.
Comment: This variant is considered benign. This variant is a silent/synonymous amino acid change and it is not expected to impact splicing.

Ambry Genetics
Classification: Likely benign for Hereditary cancer-predisposing syndrome. Last evaluated: 2019-02-25. Review status: criteria provided, single submitter. Criteria: Ambry Variant Classification Scheme 2023. Collection method: clinical testing. Allele origin: germline.

NM_144997.7(FLCN):c.315A>G (p.Lys105=)

Gene: FLCN (folliculin; minus strand). Cytogenetic location: 17p11.2.
Variant type: single nucleotide variant.
Coding change: c.315A>G on transcript NM_144997.7 (MANE Select); coding-DNA position 315, A replaced by G.
Protein change: p.Lys105=; no amino-acid change (lysine 105 retained).
Molecular consequence: synonymous variant.
Genome position (GRCh38, 1-based): chr17:17,226,257, T>C on the plus strand (A>G on the coding strand, the complement: FLCN is on the minus strand). VCF-style: chr17-17226257-T-C. GRCh37 (hg19) VCF-style: chr17-17129571-T-C.
Other names: c.315A>G (LRG_325t1); c.315A>G, p.Lys105= (NM_001353229.2, NM_001353230.2, NM_001353231.2 and 1 more transcripts).
Identifiers: ClinVar variation 649732 (VCV000649732.21), dbSNP rs759011359, ClinGen allele CA8416452.